The following is an entry in ClinVar:

ClinVar aggregate classification (germline): Benign/Likely benign. Review status: criteria provided, multiple submitters, no conflicts (2 of 4 stars). 5 submissions from 5 submitters: Benign (4); Likely benign (1). Last evaluated 2026-02-01.

Conditions:
Congenital stationary night blindness 1A (CSNB1A). Also called: NYX-Related X-Linked Congenital Stationary Night Blindness; CSNB, COMPLETE, X-LINKED; HEMERALOPIA-MYOPIA; MYOPIA-NIGHT BLINDNESS; NIGHT BLINDNESS, CONGENITAL STATIONARY, WITH MYOPIA; Night blindness, congenital stationary (complete), 1A, X-linked. Identifiers: Orphanet 215, MedGen C3495587, MONDO:0010690, OMIM 310500.

Allele frequency attached by ClinVar (database versions not stated): gnomAD exomes 0.00324; ESP Exome Variant Server 0.01298; gnomAD 0.01405 and 0.01487; TOPMed 0.01526; ExAC 0.01761; 1000 Genomes Project 0.01775; 1000 Genomes Project 30x 0.01894.
gnomAD v4.1: 2,931 of 1,121,606 alleles (0.26%); highest among the groups gnomAD compares: African/African-American, 4.5%; 58 homozygotes.

Submissions (5):

Labcorp Genetics (formerly Invitae), Labcorp
Classification: Benign. Last evaluated: 2026-02-01. Review status: criteria provided, single submitter. Criteria: Invitae Variant Classification Sherloc (09022015). Collection method: clinical testing. Allele origin: germline.

Blueprint Genetics
Classification: Benign. Last evaluated: 2024-11-13. Review status: criteria provided, single submitter. Criteria: ACMG Guidelines, 2015. Collection method: clinical testing. Allele origin: germline.

GeneDx
Classification: Likely benign. Last evaluated: 2022-02-15. Review status: criteria provided, single submitter. Criteria: GeneDx Variant Classification Process June 2021. Collection method: clinical testing. Allele origin: germline. Affected: yes.
Comment: See Variant Classification Assertion Criteria.

Illumina Laboratory Services, Illumina
Classification: Benign for Congenital stationary night blindness 1A. Last evaluated: 2018-01-12. Review status: criteria provided, single submitter. Criteria: ICSL Variant Classification Criteria 13 December 2019. Collection method: clinical testing. Allele origin: germline.
Comment: This variant was observed in the ICSL laboratory as part of a predisposition screen in an ostensibly healthy population. It had not been previously curated by ICSL or reported in the Human Gene Mutation Database (HGMD: prior to June 1st, 2018), and was therefore a candidate for classification through an automated scoring system. Utilizing variant allele frequency, disease prevalence and penetrance estimates, and inheritance mode, an automated score was calculated to assess if this variant is too frequent to cause the disease. Based on the score and internal cut-off values, a variant classified as benign is not then subjected to further curation. The score for this variant resulted in a classification of benign for this disease.

Breakthrough Genomics
Classification: Benign. Review status: criteria provided, single submitter. Criteria: ACMG Guidelines, 2015. Collection method: not provided. Allele origin: germline. Inheritance: X-linked inheritance. Affected: yes.

NM_001378477.3(NYX):c.207G>A (p.Leu69=)

Gene: NYX (nyctalopin; plus strand). Cytogenetic location: Xp11.4.
Variant type: single nucleotide variant.
Coding change: c.207G>A on transcript NM_001378477.3 (MANE Select); coding-DNA position 207, G replaced by A.
Protein change: p.Leu69=; no amino-acid change (leucine 69 retained).
Molecular consequence: synonymous variant.
Genome position (GRCh38, 1-based): chrX:41,473,675, G>A. VCF-style: chrX-41473675-G-A. GRCh37 (hg19) VCF-style: chrX-41332928-G-A.
Other names: c.207G>A, p.Leu69= (NM_022567.3).
Identifiers: ClinVar variation 914662 (VCV000914662.15), dbSNP rs12013709, ClinGen allele CA10389786.